The following is an entry in ClinVar:

ClinVar aggregate classification (germline): Uncertain significance. Review status: criteria provided, multiple submitters, no conflicts (2 of 4 stars). 2 submissions from 2 submitters: Uncertain significance (2). Last evaluated 2022-07-06.

Conditions:
Mitochondrial hypertrophic cardiomyopathy with lactic acidosis due to MTO1 deficiency. Also called: CARDIOMYOPATHY, INFANTILE HYPERTROPHIC MITOCHONDRIAL, AND LACTIC ACIDOSIS; Combined oxidative phosphorylation deficiency 10. Identifiers: Orphanet 314637, MedGen C4749921, MONDO:0013865, OMIM 614702.

Allele frequency attached by ClinVar (database versions not stated): ExAC 0.00002; gnomAD 0.00003 and 0.00004; gnomAD exomes 0.00004; TOPMed 0.00005; 1000 Genomes Project 30x 0.00016; 1000 Genomes Project 0.00020.
gnomAD v4.1: 29 of 1,613,754 alleles (0.0018%); highest among the groups gnomAD compares: Admixed American, 0.03%; no homozygotes.

Submissions (2):

Labcorp Genetics (formerly Invitae), Labcorp
Classification: Uncertain significance for Mitochondrial hypertrophic cardiomyopathy with lactic acidosis due to MTO1 deficiency. Last evaluated: 2022-07-06. Review status: criteria provided, single submitter. Criteria: Invitae Variant Classification Sherloc (09022015). Collection method: clinical testing. Allele origin: germline.
Comment: This sequence change falls in intron 8 of the MTO1 gene. It does not directly change the encoded amino acid sequence of the MTO1 protein. It affects a nucleotide within the consensus splice site. This variant is present in population databases (rs555094677, gnomAD 0.02%). This variant has not been reported in the literature in individuals affected with MTO1-related conditions. ClinVar contains an entry for this variant (Variation ID: 1519785). Variants that disrupt the consensus splice site are a relatively common cause of aberrant splicing (PMID: 17576681, 9536098). Algorithms developed to predict the effect of sequence changes on RNA splicing suggest that this variant is not likely to affect RNA splicing. In summary, the available evidence is currently insufficient to determine the role of this variant in disease. Therefore, it has been classified as a Variant of Uncertain Significance.

Breakthrough Genomics
Classification: Uncertain significance. Review status: criteria provided, single submitter. Criteria: ACMG Guidelines, 2015. Collection method: not provided. Allele origin: germline. Inheritance: Autosomal recessive inheritance. Affected: yes.

Literature cited by the submitters: PubMed 17576681 (cited by Labcorp Genetics (formerly Invitae), Labcorp); PubMed 9536098 (cited by Labcorp Genetics (formerly Invitae), Labcorp).

NM_012123.4(MTO1):c.1465+4A>T

Gene: MTO1 (mitochondrial tRNA translation optimization 1; plus strand). Cytogenetic location: 6q13.
Variant type: single nucleotide variant.
Coding change: c.1465+4A>T on transcript NM_012123.4 (MANE Select); 4 bases into the intron after coding-DNA position 1465, A replaced by T.
Molecular consequence: intron variant.
Genome position (GRCh38, 1-based): chr6:73,482,248, A>T. VCF-style: chr6-73482248-A-T. GRCh37 (hg19) VCF-style: chr6-74191971-A-T.
Other names: c.1540+4A>T (NM_133645.3); c.1585+4A>T (NM_001123226.2).
Identifiers: ClinVar variation 1519785 (VCV001519785.4), dbSNP rs555094677, ClinGen allele CA3889647.
Genomic context (GRCh38, chr6:73,482,248, plus strand): 5'-TAGAGTTCCGTTTGTCACTGCGCCCTGATAATGCTGACAGCCGGCTCACACTGCGAGGTA[A>T]CTCTTTCCTGAGTCCTGCAATCCAGCCAGGCATGGTGGCTCACACCTATAATCCAAGCAA-3'